The following is an entry in ClinVar:

NM_006514.4(SCN10A):c.626G>A (p.Arg209His)

Gene: SCN10A (sodium voltage-gated channel alpha subunit 10; minus strand). Cytogenetic location: 3p22.2.
Variant type: single nucleotide variant.
Coding change: c.626G>A on transcript NM_006514.4 (MANE Select); coding-DNA position 626, G replaced by A.
Protein change: p.Arg209His; replaces arginine 209 with histidine.
Molecular consequence: missense variant.
Genome position (GRCh38, 1-based): chr3:38,763,570, C>T on the plus strand (G>A on the coding strand, the complement: SCN10A is on the minus strand). VCF-style: chr3-38763570-C-T. GRCh37 (hg19) VCF-style: chr3-38805061-C-T.
Other names: c.626G>A, p.Arg209His (NM_001293306.2, NM_001293307.2); c.626G>A (NM_006514.2); short protein forms R209H.
Identifiers: ClinVar variation 846280 (VCV000846280.10), dbSNP rs779184623, ClinGen allele CA2321127.
Genomic context (GRCh38, chr3:38,763,570, plus strand): 5'-ATCACAGAAACTGTTTTTAATGCTCTAAGAACTCTGAATGTCCGCAGGCCTGAGATCCCA[C>T]GGAGATCTATTGCTGTGCCAACATATCTGTAGGACCAGAAGTTAGTCAGCATCTCTGCAA-3'
Protein context (NP_006505.4, residues 199-219): LAYVGTAIDL[Arg209His]GISGLRTFRV

ClinVar aggregate classification (germline): Uncertain significance. Review status: criteria provided, multiple submitters, no conflicts (2 of 4 stars). 3 submissions from 3 submitters: Uncertain significance (3). Last evaluated 2025-11-25.

Conditions:
Cardiovascular phenotype. Identifiers: MedGen CN230736.
Brugada syndrome. Also called: Sudden Unexplained Death Syndrome; Sudden Unexplained Nocturnal Death Syndrome (SUNDS); Sudden unexpected nocturnal death syndrome; Sudden unexplained nocturnal death syndrome. Identifiers: Orphanet 130, MedGen C1142166, MONDO:0015263.

Allele frequency attached by ClinVar (database versions not stated): gnomAD exomes 0.00002 and 0.00003; ExAC 0.00003; gnomAD 0.00003 and 0.00004; TOPMed 0.00005.
gnomAD v4.1: 56 of 1,613,908 alleles (0.0035%); highest among the groups gnomAD compares: Middle Eastern, 0.016%; no homozygotes.

Submissions (3):

Ambry Genetics
Classification: Uncertain significance for Cardiovascular phenotype. Last evaluated: 2025-11-25. Review status: criteria provided, single submitter. Criteria: Ambry Variant Classification Scheme 2023. Collection method: clinical testing. Allele origin: germline.
Comment: The p.R209H variant (also known as c.626G>A), located in coding exon 5 of the SCN10A gene, results from a G to A substitution at nucleotide position 626. The arginine at codon 209 is replaced by histidine, an amino acid with highly similar properties. This amino acid position is not well conserved in available vertebrate species. In addition, the in silico prediction for this alteration is inconclusive. The evidence for this gene-disease relationship is limited; therefore, the clinical significance of this alteration is unclear.

Labcorp Genetics (formerly Invitae), Labcorp
Classification: Uncertain significance for Brugada syndrome. Last evaluated: 2025-06-09. Review status: criteria provided, single submitter. Criteria: Invitae Variant Classification Sherloc (09022015). Collection method: clinical testing. Allele origin: germline.
Comment: This sequence change replaces arginine, which is basic and polar, with histidine, which is basic and polar, at codon 209 of the SCN10A protein (p.Arg209His). This variant is present in population databases (rs779184623, gnomAD 0.008%). This missense change has been observed in individual(s) with atrial fibrillation and/or pure small fiber neuropathy (PMID: 28407228, 30554136). ClinVar contains an entry for this variant (Variation ID: 846280). Invitae Evidence Modeling of protein sequence and biophysical properties (such as structural, functional, and spatial information, amino acid conservation, physicochemical variation, residue mobility, and thermodynamic stability) has been performed for this missense variant. However, the output from this modeling did not meet the statistical confidence thresholds required to predict the impact of this variant on SCN10A protein function. In summary, the available evidence is currently insufficient to determine the role of this variant in disease. Therefore, it has been classified as a Variant of Uncertain Significance.

GeneDx
Classification: Uncertain significance. Last evaluated: 2020-09-02. Review status: criteria provided, single submitter. Criteria: GeneDx Variant Classification Process June 2021. Collection method: clinical testing. Allele origin: germline. Affected: yes.
Comment: Reported in a patient with atrial fibrillation who was taking a QT prolonging medication (Abou Ziki et al., 2018); Reported in ClinVar as a variant of uncertain significance (ClinVar Variant ID# 846280; Landrum et al., 2016); In silico analysis supports that this missense variant does not alter protein structure/function; This variant is associated with the following publications: (PMID: 28407228)

Literature cited by the submitters: PubMed 28407228 (cited by Ambry Genetics and Labcorp Genetics (formerly Invitae), Labcorp); PubMed 30554136 (cited by Ambry Genetics and Labcorp Genetics (formerly Invitae), Labcorp).